The following is an entry in ClinVar:

ClinVar aggregate classification (germline): Uncertain significance (1 of 4 stars; one submission).

Conditions:
Duchenne muscular dystrophy (DMD). Also called: MUSCULAR DYSTROPHY, PSEUDOHYPERTROPHIC PROGRESSIVE, DUCHENNE TYPE; Duchenne Muscular Dystrophy (DMD). Identifiers: Orphanet 98896, MedGen C0013264, MONDO:0010679, OMIM 310200.

gnomAD v4.1: 1 of 1,208,176 alleles (0.000083%); highest among the groups gnomAD compares: South Asian, 0.0018%; no homozygotes.

Submission:

Labcorp Genetics (formerly Invitae), Labcorp
Classification: Uncertain significance for Duchenne muscular dystrophy. Last evaluated: 2024-07-12. Review status: criteria provided, single submitter. Criteria: Invitae Variant Classification Sherloc (09022015). Collection method: clinical testing. Allele origin: germline.
Comment: This sequence change replaces glutamic acid, which is acidic and polar, with aspartic acid, which is acidic and polar, at codon 1133 of the DMD protein (p.Glu1133Asp). This variant is not present in population databases (gnomAD no frequency). This variant has not been reported in the literature in individuals affected with DMD-related conditions. Advanced modeling of protein sequence and biophysical properties (such as structural, functional, and spatial information, amino acid conservation, physicochemical variation, residue mobility, and thermodynamic stability) performed at Invitae indicates that this missense variant is not expected to disrupt DMD protein function with a negative predictive value of 95%. In summary, the available evidence is currently insufficient to determine the role of this variant in disease. Therefore, it has been classified as a Variant of Uncertain Significance.

NM_004006.3(DMD):c.3399A>C (p.Glu1133Asp)

Gene: DMD (dystrophin; minus strand). Cytogenetic location: Xp21.1.
Variant type: single nucleotide variant.
Coding change: c.3399A>C on transcript NM_004006.3 (MANE Select); coding-DNA position 3399, A replaced by C.
Protein change: p.Glu1133Asp; replaces glutamic acid 1133 with aspartic acid.
Molecular consequence: missense variant.
Genome position (GRCh38, 1-based): chrX:32,463,472, T>G on the plus strand (A>C on the coding strand, the complement: DMD is on the minus strand). VCF-style: chrX-32463472-T-G. GRCh37 (hg19) VCF-style: chrX-32481589-T-G.
Other names: c.3375A>C, p.Glu1125Asp (NM_000109.4); c.3387A>C, p.Glu1129Asp (NM_004009.3); c.3030A>C, p.Glu1010Asp (NM_004010.3); short protein forms E1133D, E1125D, E1010D, E1129D.
Identifiers: ClinVar variation 3634839 (VCV003634839.2).
Genomic context (GRCh38, chrX:32,463,472, plus strand): 5'-AGCCACAGTGAAAGAGATTGTCTATACCTGTTGGCACATGTGATCCCACTGAGTGTTAAG[T>G]TCTTTGAGTTCTGTCTCAAGTCTCGAAGCAAACTCTGGCTCTGCTTCATTCTTTATCTTC-3'
Protein context (NP_003997.2, residues 1123-1143): FASRLETELK[Glu1133Asp]LNTQWDHMCQ